The following is an entry in ClinVar:

ClinVar aggregate classification (germline): Uncertain significance (1 of 4 stars; one submission).

Conditions:
Inborn genetic diseases. Identifiers: MedGen C0950123, MeSH D030342.

Submission:

Ambry Genetics
Classification: Uncertain significance for Inborn genetic diseases. Last evaluated: 2025-08-11. Review status: criteria provided, single submitter. Criteria: Ambry Variant Classification Scheme 2023. Collection method: clinical testing. Allele origin: germline.
Comment: The p.D261E variant (also known as c.783C>A), located in coding exon 5 of the ELANE gene, results from a C to A substitution at nucleotide position 783. The aspartic acid at codon 261 is replaced by glutamic acid, an amino acid with highly similar properties. This amino acid position is conserved. In addition, this alteration is predicted to be tolerated by in silico analysis. Based on the available evidence, the clinical significance of this variant remains unclear.

NM_001972.4(ELANE):c.783C>A (p.Asp261Glu)

Gene: ELANE (elastase, neutrophil expressed; plus strand). Cytogenetic location: 19p13.3.
Variant type: single nucleotide variant.
Coding change: c.783C>A on transcript NM_001972.4 (MANE Select); coding-DNA position 783, C replaced by A.
Protein change: p.Asp261Glu; replaces aspartic acid 261 with glutamic acid.
Molecular consequence: missense variant.
Genome position (GRCh38, 1-based): chr19:856,143, C>A. VCF-style: chr19-856143-C-A. GRCh37 (hg19) VCF-style: chr19-856143-C-A.
Other names: short protein forms D261E.
Identifiers: ClinVar variation 4248080 (VCV004248080.1).